The following is an entry in ClinVar:

NM_015335.5(MED13L):c.3114A>G (p.Leu1038=)

Gene: MED13L (mediator complex subunit 13L; minus strand). Cytogenetic location: 12q24.21.
Variant type: single nucleotide variant.
Coding change: c.3114A>G on transcript NM_015335.5 (MANE Select); coding-DNA position 3114, A replaced by G.
Protein change: p.Leu1038=; no amino-acid change (leucine 1038 retained).
Molecular consequence: synonymous variant.
Genome position (GRCh38, 1-based): chr12:115,991,840, T>C on the plus strand (A>G on the coding strand, the complement: MED13L is on the minus strand). VCF-style: chr12-115991840-T-C. GRCh37 (hg19) VCF-style: chr12-116429645-T-C.
Identifiers: ClinVar variation 2849418 (VCV002849418.17), dbSNP rs765903489, ClinGen allele CA6811021.

ClinVar aggregate classification (germline): Likely benign. Review status: criteria provided, multiple submitters, no conflicts (2 of 4 stars). 2 submissions from 2 submitters: Likely benign (2). Last evaluated 2026-07-01.

Conditions:
Dextro-looped transposition of the great arteries. Also called: Dextrotransposition of the great arteries. Identifiers: Orphanet 860, MedGen C3531771, MONDO:0019443, OMIM 608808, HP:0031348.

Allele frequency attached by ClinVar (database versions not stated): ExAC 0.00003; gnomAD 0.00003; gnomAD exomes 0.00003.
gnomAD v4.1: 53 of 1,610,918 alleles (0.0033%); highest among the groups gnomAD compares: Non-Finnish European, 0.0041%; no homozygotes.

Submissions (2):

CeGaT Center for Human Genetics Tuebingen
Classification: Likely benign. Last evaluated: 2026-07-01. Review status: criteria provided, single submitter. Criteria: CeGaT Center For Human Genetics Tuebingen Variant Classification Criteria Version 2. Collection method: clinical testing. Allele origin: germline. Affected: yes. Observed: 3 variant alleles.
Comment: MED13L: BP4, BP7

Labcorp Genetics (formerly Invitae), Labcorp
Classification: Likely benign for Dextro-looped transposition of the great arteries. Last evaluated: 2025-06-06. Review status: criteria provided, single submitter. Criteria: Invitae Variant Classification Sherloc (09022015). Collection method: clinical testing. Allele origin: germline.